The following is an entry in ClinVar:

NM_002317.7(LOX):c.466A>T (p.Asn156Tyr)

Genes: LOX (lysyl oxidase; minus strand), SRFBP1 (serum response factor binding protein 1; plus strand). Cytogenetic location: 5q23.1.
Variant type: single nucleotide variant.
Coding change: c.466A>T on transcript NM_002317.7 (MANE Select); coding-DNA position 466, A replaced by T.
Protein change: p.Asn156Tyr; replaces asparagine 156 with tyrosine.
Molecular consequence: missense variant.
Genome position (GRCh38, 1-based): chr5:122,077,520, T>A on the plus strand (A>T on the coding strand, the complement: LOX is on the minus strand). VCF-style: chr5-122077520-T-A. GRCh37 (hg19) VCF-style: chr5-121413215-T-A.
Other names: c.466A>T (NM_002317.5, NM_002317.6); short protein forms N156Y.
Identifiers: ClinVar variation 3627133 (VCV003627133.5).

ClinVar aggregate classification (germline): Conflicting classifications of pathogenicity. Review status: criteria provided, conflicting classifications (1 of 4 stars). 4 submissions from 4 submitters: Uncertain significance (2); Likely benign (2). Last evaluated 2026-07-29.

Conditions:
LOX-related disorder. Also called: LOX-related disorders; LOX-related condition.
Cardiovascular phenotype. Identifiers: MedGen CN230736.

gnomAD v4.1: 34 of 1,613,654 alleles (0.0021%); highest among the groups gnomAD compares: Non-Finnish European, 0.0026%; no homozygotes.

Submissions (4):

PreventionGenetics, part of Exact Sciences
Classification: Uncertain significance for LOX-related condition. Last evaluated: 2026-07-29. Review status: criteria provided, single submitter. Criteria: ACMG Guidelines, 2015. Collection method: clinical testing. Allele origin: germline.
Comment: The LOX c.466A>T variant is predicted to result in the amino acid substitution p.Asn156Tyr. To our knowledge, this variant has not been reported in the literature. This variant is reported in 0.0055% of alleles in individuals of European (Non-Finnish) descent in gnomAD. At this time, the clinical significance of this variant is uncertain due to the absence of conclusive functional and genetic evidence.

Labcorp Genetics (formerly Invitae), Labcorp
Classification: Likely benign. Last evaluated: 2026-01-13. Review status: criteria provided, single submitter. Criteria: Invitae Variant Classification Sherloc (09022015). Collection method: clinical testing. Allele origin: germline.

Ambry Genetics
Classification: Uncertain significance for Cardiovascular phenotype. Last evaluated: 2025-08-30. Review status: criteria provided, single submitter. Criteria: Ambry Variant Classification Scheme 2023. Collection method: clinical testing. Allele origin: germline.

Blueprint Genetics
Classification: Likely benign. Last evaluated: 2024-07-30. Review status: criteria provided, single submitter. Criteria: ACMG Guidelines, 2015. Collection method: clinical testing. Allele origin: germline.